The following is an entry in ClinVar:

ClinVar aggregate classification (germline): Likely benign. Review status: criteria provided, multiple submitters, no conflicts (2 of 4 stars). 2 submissions from 2 submitters: Likely benign (2). Last evaluated 2026-02-03.

Conditions:
ANKRD1-related dilated cardiomyopathy. Identifiers: MedGen CN119551.

Submissions (2):

Labcorp Genetics (formerly Invitae), Labcorp
Classification: Likely benign for ANKRD1-related dilated cardiomyopathy. Last evaluated: 2026-02-03. Review status: criteria provided, single submitter. Criteria: Invitae Variant Classification Sherloc (09022015). Collection method: clinical testing. Allele origin: germline.

Women's Health and Genetics/Laboratory Corporation of America, LabCorp
Classification: Likely benign. Last evaluated: 2025-12-01. Review status: criteria provided, single submitter. Criteria: LabCorp Variant Classification Summary - May 2015. Collection method: clinical testing. Allele origin: germline.
Comment: Variant summary: ANKRD1 c.346-13_346-12dupAT alters a non-conserved nucleotide located at a position not widely known to affect splicing. Consensus agreement among computation tools predict no significant impact on normal splicing. However, these predictions have yet to be confirmed by functional studies. The variant was absent in 213642 control chromosomes. The available data on variant occurrences in the general population are insufficient to allow any conclusion about variant significance. To our knowledge, no occurrence of c.346-13_346-12dupAT in individuals affected with ANKRD1-related conditions and no experimental evidence demonstrating its impact on protein function have been reported. ClinVar contains an entry for this variant (Variation ID: 1568095). Based on the evidence outlined above, the variant was classified as likely benign.

NM_014391.3(ANKRD1):c.346-13_346-12dup

Gene: ANKRD1 (ankyrin repeat domain 1; minus strand). Cytogenetic location: 10q23.31.
Variant type: Duplication.
Coding change: c.346-13_346-12dup on transcript NM_014391.3 (MANE Select); 13 bases into the intron before coding-DNA position 346 through 12 bases into the intron before coding-DNA position 346, 2 bases duplicated (AT; older notation c.346-13_346-12dupAT).
Molecular consequence: intron variant.
Genome position (GRCh38, 1-based): chr10:90,918,984-90,918,985, AT duplicated on the plus strand (AT on the coding strand, the reverse complement: ANKRD1 is on the minus strand); duplicating any 2 consecutive bases within chr10:90,918,984-90,918,986 gives the same sequence; the c. name uses the placement nearest the transcript's 3' end. VCF-style (leftmost placement, unchanged base first): chr10-90918983-A-AAT. GRCh37 (hg19) VCF-style: chr10-92678740-A-AAT.
Other names: c.346-13_346-12dupAT (NM_014391.3).
Identifiers: ClinVar variation 1568095 (VCV001568095.10), dbSNP rs766545285, ClinGen allele CA470765690.